The following is an entry in ClinVar:

NC_000007.13:g.(?_19156336)_(19157207_?)del

Gene: TWIST1 (twist family bHLH transcription factor 1; minus strand). Cytogenetic location: 7p21.1.
Variant type: Deletion.
Identifiers: ClinVar variation 1357752 (VCV001357752.5).

ClinVar aggregate classification (germline): Pathogenic (1 of 4 stars; one submission).

Conditions:
TWIST1-related craniosynostosis (CRS1). Also called: CRANIOSYNOSTOSIS 1. Identifiers: Orphanet 63440, MedGen C4551902, MONDO:0007399, OMIM 123100. Inheritance: Heterogenous inheritance pattern.
Saethre-Chotzen syndrome (SCS). Also called: ACROCEPHALY, SKULL ASYMMETRY, AND MILD SYNDACTYLY; ACS III; CHOTZEN SYNDROME. Identifiers: Orphanet 794, MedGen C0175699, MONDO:0007042, OMIM 101400.

Submission:

Labcorp Genetics (formerly Invitae), Labcorp
Classification: Pathogenic for TWIST1-related craniosynostosis; Saethre-Chotzen syndrome. Last evaluated: 2023-12-01. Review status: criteria provided, single submitter. Criteria: Invitae Variant Classification Sherloc (09022015). Collection method: clinical testing. Allele origin: germline.
Comment: A gross deletion of the genomic region encompassing the full coding sequence of the TWIST1 gene has been identified. Loss-of-function variants in TWIST1 are known to be pathogenic (PMID: 10749989). The boundaries of this event are unknown as they extend beyond the assayed region for this gene and therefore may encompass additional genes. A similar copy number variant has been observed in individual(s) with Saethre-Chotzen syndrome (PMID: 9792856, 22382802, 26114524). For these reasons, this variant has been classified as Pathogenic.

Literature cited by the submitters: PubMed 10749989; PubMed 9792856; PubMed 22382802; PubMed 26114524.